The following is an entry in ClinVar:

NM_000238.4(KCNH2):c.3039T>C (p.Pro1013=)

Gene: KCNH2 (potassium voltage-gated channel subfamily H member 2; minus strand). Cytogenetic location: 7q36.1.
Variant type: single nucleotide variant.
Coding change: c.3039T>C on transcript NM_000238.4 (MANE Select); coding-DNA position 3039, T replaced by C.
Protein change: p.Pro1013=; no amino-acid change (proline 1013 retained).
Molecular consequence: synonymous variant. On other transcripts: non-coding transcript variant (2).
Genome position (GRCh38, 1-based): chr7:150,947,441, A>G on the plus strand (T>C on the coding strand, the complement: KCNH2 is on the minus strand). VCF-style: chr7-150947441-A-G. GRCh37 (hg19) VCF-style: chr7-150644529-A-G.
Other names: c.2751T>C, p.Pro917= (NM_001406753.1); c.2019T>C, p.Pro673= (NM_172057.3).
Identifiers: ClinVar variation 3071262 (VCV003071262.1), dbSNP rs1800945240, ClinGen allele CA458644906.

ClinVar aggregate classification (germline): Likely benign (1 of 4 stars; one submission).

Conditions:
Long QT syndrome (LQTS). Identifiers: MedGen C0023976, MeSH D008133, MONDO:0002442. Disease mechanism: loss of function. Inheritance: Various modes of inheritance.

Allele frequency attached by ClinVar (database versions not stated): gnomAD exomes below 0.00001; TOPMed below 0.00001.
gnomAD v4.1: 1 of 1,562,678 alleles (0.000064%); highest among the groups gnomAD compares: Non-Finnish European, 0.000087%; no homozygotes.

Submission:

All of Us Research Program, National Institutes of Health
Classification: Likely benign for Long QT syndrome. Last evaluated: 2023-05-16. Review status: criteria provided, single submitter. Criteria: ACMG Guidelines, 2015. Collection method: clinical testing. Allele origin: germline. Inheritance: Autosomal dominant inheritance. Observed: 1 variant allele, 1 heterozygote.
Comment: This study involves interpretation of variants in research participants for the purpose of population health screening. Participant phenotype was not available at the time of variant classification. Additional details can be found in publication PMID: 35346344, PMCID: PMC8962531